The following is an entry in ClinVar:

ClinVar aggregate classification (germline): Uncertain significance (1 of 4 stars; one submission).

Conditions:
Cardiovascular phenotype. Identifiers: MedGen CN230736.

gnomAD v4.1: 8 of 1,613,914 alleles (0.0005%); highest among the groups gnomAD compares: African/African-American, 0.0013%; no homozygotes.

Submission:

Ambry Genetics
Classification: Uncertain significance for Cardiovascular phenotype. Last evaluated: 2024-04-12. Review status: criteria provided, single submitter. Criteria: Ambry Variant Classification Scheme 2023. Collection method: clinical testing. Allele origin: germline.
Comment: The p.K4461E variant (also known as c.13381A>G), located in coding exon 29 of the APOB gene, results from an A to G substitution at nucleotide position 13381. The lysine at codon 4461 is replaced by glutamic acid, an amino acid with similar properties. This amino acid position is conserved. In addition, this alteration is predicted to be tolerated by in silico analysis. Based on the available evidence, the clinical significance of this variant remains unclear.

NM_000384.3(APOB):c.13381A>G (p.Lys4461Glu)

Gene: APOB (apolipoprotein B; minus strand). Cytogenetic location: 2p24.1.
Variant type: single nucleotide variant.
Coding change: c.13381A>G on transcript NM_000384.3 (MANE Select); coding-DNA position 13381, A replaced by G.
Protein change: p.Lys4461Glu; replaces lysine 4461 with glutamic acid.
Molecular consequence: missense variant.
Genome position (GRCh38, 1-based): chr2:21,002,041, T>C on the plus strand (A>G on the coding strand, the complement: APOB is on the minus strand). VCF-style: chr2-21002041-T-C. GRCh37 (hg19) VCF-style: chr2-21224913-T-C.
Other names: short protein forms K4461E.
Identifiers: ClinVar variation 3307629 (VCV003307629.1).